The following is an entry in ClinVar:

NM_005859.5(PURA):c.577C>T (p.Gln193Ter)

Gene: PURA (purine rich element binding protein A; plus strand). Cytogenetic location: 5q31.3.
Variant type: single nucleotide variant.
Coding change: c.577C>T on transcript NM_005859.5 (MANE Select); coding-DNA position 577, C replaced by T.
Protein change: p.Gln193Ter; replaces glutamine 193 with a stop codon.
Molecular consequence: nonsense.
Genome position (GRCh38, 1-based): chr5:140,114,758, C>T. VCF-style: chr5-140114758-C-T. GRCh37 (hg19) VCF-style: chr5-139494343-C-T.
Other names: short protein forms Q193*.
Identifiers: ClinVar variation 1709622 (VCV001709622.2), dbSNP rs2479505694, ClinGen allele CA361491066.

ClinVar aggregate classification (germline): Likely pathogenic (1 of 4 stars; one submission).

Conditions:
PURA-related severe neonatal hypotonia-seizures-encephalopathy syndrome (NEDRIHF). Also called: PURA-Related Neurodevelopmental Disorders; NEURODEVELOPMENTAL DISORDER WITH NEONATAL RESPIRATORY INSUFFICIENCY, HYPOTONIA, AND FEEDING DIFFICULTIES. Identifiers: Orphanet 438213, Orphanet 438216, MedGen C4015357, MONDO:1060108, OMIM 616158, MONDO:0018580.

Submission:

MGZ Medical Genetics Center
Classification: Likely pathogenic for PURA-related severe neonatal hypotonia-seizures-encephalopathy syndrome. Last evaluated: 2022-07-04. Review status: criteria provided, single submitter. Criteria: ACMG Guidelines, 2015. Collection method: clinical testing. Allele origin: germline. Affected: yes. Observed: 1 variant allele.
Comment: ACMG criteria applied: PVS1, PM2_SUP